The following is an entry in ClinVar:

ClinVar aggregate classification (germline): Uncertain significance. Review status: criteria provided, multiple submitters, no conflicts (2 of 4 stars). 3 submissions from 3 submitters: Uncertain significance (3). Last evaluated 2023-12-28.

Allele frequency attached by ClinVar (database versions not stated): gnomAD 0.00002 and 0.00003; gnomAD exomes 0.00004; TOPMed 0.00004; ExAC 0.00005; ESP Exome Variant Server 0.00008; 1000 Genomes Project 30x 0.00016; 1000 Genomes Project 0.00020.
gnomAD v4.1: 54 of 1,605,834 alleles (0.0034%); highest among the groups gnomAD compares: East Asian, 0.034%; no homozygotes.

Submissions (3):

Blueprint Genetics
Classification: Uncertain significance. Last evaluated: 2023-12-28. Review status: criteria provided, single submitter. Criteria: ACMG Guidelines, 2015. Collection method: clinical testing. Allele origin: germline.

Labcorp Genetics (formerly Invitae), Labcorp
Classification: Uncertain significance. Last evaluated: 2022-09-01. Review status: criteria provided, single submitter. Criteria: Invitae Variant Classification Sherloc (09022015). Collection method: clinical testing. Allele origin: germline.
Comment: In summary, the available evidence is currently insufficient to determine the role of this variant in disease. Therefore, it has been classified as a Variant of Uncertain Significance. Algorithms developed to predict the effect of missense changes on protein structure and function are either unavailable or do not agree on the potential impact of this missense change (SIFT: "Deleterious"; PolyPhen-2: "Probably Damaging"; Align-GVGD: "Class C0"). ClinVar contains an entry for this variant (Variation ID: 811744). This variant has not been reported in the literature in individuals affected with HSPG2-related conditions. This variant is present in population databases (rs149520064, gnomAD 0.04%). This sequence change replaces arginine, which is basic and polar, with histidine, which is basic and polar, at codon 3764 of the HSPG2 protein (p.Arg3764His).

ARUP Laboratories, Molecular Genetics and Genomics, ARUP Laboratories
Classification: Uncertain significance. Last evaluated: 2018-09-04. Review status: criteria provided, single submitter. Criteria: ARUP Molecular Germline Variant Investigation Process. Collection method: clinical testing. Allele origin: germline.
Comment: The HSPG2 c.11291G>A; p.Arg3764His variant (rs149520064), to our knowledge, has not been described in the medical literature or in gene-specific databases but is observed in the East Asian population at an overall frequency of 0.036% (6/16836 alleles) in the Genome Aggregation Database. The arginine at codon 3764 is moderately conserved, and computational algorithms (PolyPhen-2, SIFT) predict that this variant is deleterious. However, due to the lack of clinical and functional data regarding this variant, its clinical significance cannot be determined with certainty. Pathogenic variants in HSPG2 follow an autosomal recessive inheritance pattern and are associated with Silverman-Handmaker type of dyssegmental dysplasia (MIM: 224410) and Schwartz-Jampel syndrome type 1 (MIM: 255800).

NM_005529.7(HSPG2):c.11291G>A (p.Arg3764His)

Gene: HSPG2 (heparan sulfate proteoglycan 2; minus strand). Cytogenetic location: 1p36.12.
Variant type: single nucleotide variant.
Coding change: c.11291G>A on transcript NM_005529.7 (MANE Select); coding-DNA position 11291, G replaced by A.
Protein change: p.Arg3764His; replaces arginine 3764 with histidine.
Molecular consequence: missense variant.
Genome position (GRCh38, 1-based): chr1:21,831,713, C>T on the plus strand (G>A on the coding strand, the complement: HSPG2 is on the minus strand). VCF-style: chr1-21831713-C-T. GRCh37 (hg19) VCF-style: chr1-22158206-C-T.
Other names: c.11294G>A, p.Arg3765His (NM_001291860.2); short protein forms R3764H, R3765H.
Identifiers: ClinVar variation 811744 (VCV000811744.13), dbSNP rs149520064, ClinGen allele CA669846.
Genomic context (GRCh38, chr1:21,831,713, plus strand): 5'-TGGGAGGTCCCATTGACCGGGGCCAGGTCACCCACAATCAGGGAGCCCTGGGTGAGGCTG[C>T]GCAGCAGGGTCACGGTGTGGAAATGGCCCAGGGCCAGTGGTGTGGGATGGCGGATGGTGG-3'
Protein context (NP_005520.4, residues 3754-3774): LGHFHTVTLL[Arg3764His]SLTQGSLIVG